The following is an entry in ClinVar:

NM_024334.3(TMEM43):c.136T>A (p.Ser46Thr)

Gene: TMEM43 (transmembrane protein 43; plus strand). Cytogenetic location: 3p25.1.
Variant type: single nucleotide variant.
Coding change: c.136T>A on transcript NM_024334.3 (MANE Select); coding-DNA position 136, T replaced by A.
Protein change: p.Ser46Thr; replaces serine 46 with threonine.
Molecular consequence: missense variant.
Genome position (GRCh38, 1-based): chr3:14,129,535, T>A. VCF-style: chr3-14129535-T-A. GRCh37 (hg19) VCF-style: chr3-14171035-T-A.
Other names: short protein forms S46T.
Identifiers: ClinVar variation 857157 (VCV000857157.9), dbSNP rs145510310, ClinGen allele CA351534409.
Genomic context (GRCh38, chr3:14,129,535, plus strand): 5'-CTGGAACGGCTGAGCGAGACCTCGGGTGGGATGTTTGTGGGGCTCATGGCCTTCCTGCTC[T>A]CCTTCTACCTAATTTTCACCAATGAGGTAAAATGTCTGGGGTCTTCCTGTGCAGAGTGAG-3'
Protein context (NP_077310.1, residues 36-56): MFVGLMAFLL[Ser46Thr]FYLIFTNEGR

ClinVar aggregate classification (germline): Uncertain significance (1 of 4 stars; one submission).

Conditions:
Arrhythmogenic right ventricular dysplasia 5. Also called: Arrhythmogenic Right Ventricular Dysplasia/Cardiomyopathy 5; ARRHYTHMOGENIC RIGHT VENTRICULAR DYSPLASIA, FAMILIAL, 5. Identifiers: MedGen C1858379, MONDO:0011459, OMIM 604400.

gnomAD v4.1: 1 of 1,614,124 alleles (0.000062%); highest among the groups gnomAD compares: Admixed American, 0.0017%; no homozygotes.

Submission:

Labcorp Genetics (formerly Invitae), Labcorp
Classification: Uncertain significance for Arrhythmogenic right ventricular dysplasia 5. Last evaluated: 2019-12-11. Review status: criteria provided, single submitter. Criteria: Invitae Variant Classification Sherloc (09022015). Collection method: clinical testing. Allele origin: germline.
Comment: This variant is not present in population databases (ExAC no frequency). This sequence change replaces serine with threonine at codon 46 of the TMEM43 protein (p.Ser46Thr). The serine residue is moderately conserved and there is a small physicochemical difference between serine and threonine. In summary, the available evidence is currently insufficient to determine the role of this variant in disease. Therefore, it has been classified as a Variant of Uncertain Significance. Algorithms developed to predict the effect of missense changes on protein structure and function are either unavailable or do not agree on the potential impact of this missense change (SIFT: "Tolerated"; PolyPhen-2: "Possibly Damaging"; Align-GVGD: "Class C0"). This variant has not been reported in the literature in individuals with TMEM43-related conditions.